The following is an entry in ClinVar:

NM_004360.5(CDH1):c.1807T>A (p.Cys603Ser)

Gene: CDH1 (cadherin 1; plus strand). Cytogenetic location: 16q22.1.
Variant type: single nucleotide variant.
Coding change: c.1807T>A on transcript NM_004360.5 (MANE Select); coding-DNA position 1807, T replaced by A.
Protein change: p.Cys603Ser; replaces cysteine 603 with serine.
Molecular consequence: missense variant. On other transcripts: 5 prime UTR variant (1).
Genome position (GRCh38, 1-based): chr16:68,822,096, T>A. VCF-style: chr16-68822096-T-A. GRCh37 (hg19) VCF-style: chr16-68855999-T-A.
Other names: c.1624T>A, p.Cys542Ser (NM_001317184.2); c.259T>A, p.Cys87Ser (NM_001317185.2); c.-159T>A (NM_001317186.2); short protein forms C603S, C542S, C87S.
Identifiers: ClinVar variation 5033903 (VCV005033903.1).
Genomic context (GRCh38, chr16:68,822,096, plus strand): 5'-CTGATCCTGTCTGATGTGAATGACAACGCCCCCATACCAGAACCTCGAACTATATTCTTC[T>A]GTGAGAGGAATCCAAAGCCTCAGGTCATAAACATCATTGATGCAGACCTTCCTCCCAATA-3'
Protein context (NP_004351.1, residues 593-613): PIPEPRTIFF[Cys603Ser]ERNPKPQVIN

ClinVar aggregate classification (germline): Uncertain significance (1 of 4 stars; one submission).

Conditions:
Hereditary cancer-predisposing syndrome. Also called: Neoplastic Syndromes, Hereditary; Tumor predisposition; Hereditary neoplastic syndrome; Hereditary Cancer Syndrome. Identifiers: Orphanet 140162, MedGen C0027672, MeSH D009386, MONDO:0015356.

Submission:

Ambry Genetics
Classification: Uncertain significance for Hereditary cancer-predisposing syndrome. Last evaluated: 2026-07-06. Review status: criteria provided, single submitter. Criteria: Ambry Variant Classification Scheme 2023. Collection method: clinical testing. Allele origin: germline.
Comment: The p.C603S variant (also known as c.1807T>A), located in coding exon 12 of the CDH1 gene, results from a T to A substitution at nucleotide position 1807. The cysteine at codon 603 is replaced by serine, an amino acid with dissimilar properties. This amino acid position is conserved. In addition, the in silico prediction for this alteration is inconclusive. Based on the available evidence, the clinical significance of this variant remains unclear.